The following is an entry in ClinVar:

ClinVar aggregate classification (germline): Pathogenic, low penetrance (1 of 4 stars; one submission).

Conditions:
Atypical hemolytic-uremic syndrome. Identifiers: Orphanet 2134, MedGen C2931788, MONDO:0016244.

Submission:

Genomenon, Inc
Classification: Pathogenic, low penetrance for Atypical hemolytic-uremic syndrome. Last evaluated: 2025-10-02. Review status: criteria provided, single submitter. Criteria: Genomenon Sequence Variant Interpretation Standards - Updated. Collection method: curation. Allele origin: germline. Affected: yes.
Comment: CFH p.Gly1155Ter (c.3463G>T) is a nonsense variant that introduces a premature stop codon at amino acid position 1155, creating a truncated protein that is predicted to undergo nonsense-mediated mRNA decay. This variant has been observed in at least one proband affected with atypical hemolytic-uremic syndrome (PMID:26724167). It is absent or not present at a significant frequency in gnomAD. In conclusion, we classify CFH p.Gly1155Ter (c.3463G>T) as a pathogenic, low penetrance variant.

Literature cited by the submitters: PubMed 26724167.

NM_000186.4(CFH):c.3463G>T (p.Gly1155Ter)

Gene: CFH (complement factor H; plus strand). Cytogenetic location: 1q31.3.
Variant type: single nucleotide variant.
Coding change: c.3463G>T on transcript NM_000186.4 (MANE Select); coding-DNA position 3463, G replaced by T.
Protein change: p.Gly1155Ter; replaces glycine 1155 with a stop codon.
Molecular consequence: nonsense.
Genome position (GRCh38, 1-based): chr1:196,745,969, G>T. VCF-style: chr1-196745969-G-T. GRCh37 (hg19) VCF-style: chr1-196715099-G-T.
Other names: short protein forms G1155*.
Identifiers: ClinVar variation 4291576 (VCV004291576.1).
Genomic context (GRCh38, chr1:196,745,969, plus strand): 5'-GAGTACCAATGCCAGAACTTGTATCAACTTGAGGGTAACAAGCGAATAACATGTAGAAAT[G>T]GACAATGGTCAGAACCACCAAAATGCTTACGTAAGTACTTTAATATTCACGTGGCTGGAA-3'